The following is an entry in ClinVar:

NM_001009931.3(HRNR):c.931C>A (p.Arg311=)

Genes: CCDST (cervical cancer associated DHX9 suppressive transcript; plus strand), HRNR (hornerin; minus strand). Cytogenetic location: 1q21.3.
Variant type: single nucleotide variant.
Coding change: c.931C>A on transcript NM_001009931.3 (MANE Select); coding-DNA position 931, C replaced by A.
Protein change: p.Arg311=; no amino-acid change (arginine 311 retained).
Molecular consequence: synonymous variant.
Genome position (GRCh38, 1-based): chr1:152,220,698, G>T on the plus strand (C>A on the coding strand, the complement: HRNR is on the minus strand). VCF-style: chr1-152220698-G-T. GRCh37 (hg19) VCF-style: chr1-152193174-G-T.
Identifiers: ClinVar variation 2639215 (VCV002639215.24), dbSNP rs139907915, ClinGen allele CA1102345.
Genomic context (GRCh38, chr1:152,220,698, plus strand): 5'-AACTTGAGCCAGACCCGTGTTGGCCGTGGCTGGAGGAGTGCCCCGAACCGGACCCATGTC[G>T]GACGTGGCTAGGAGACTGGCGAGATCCAGACCCTTGTCGGCCGTGGCCCAAAGACTGACG-3'
Protein context (NP_001009931.1, residues 301-321): SGSRQSPSHV[Arg311=]HGSGSGHSSS

ClinVar aggregate classification (germline): Likely benign (1 of 4 stars; one submission).

Allele frequency attached by ClinVar (database versions not stated): 1000 Genomes Project 0.00040; 1000 Genomes Project 30x 0.00078; ESP Exome Variant Server 0.00161.
gnomAD v4.1: 3,138 of 1,613,288 alleles (0.19%); highest among the groups gnomAD compares: Non-Finnish European, 0.24%; 5 homozygotes.

Submission:

CeGaT Center for Human Genetics Tuebingen
Classification: Likely benign. Last evaluated: 2023-11-01. Review status: criteria provided, single submitter. Criteria: CeGaT Center For Human Genetics Tuebingen Variant Classification Criteria Version 2. Collection method: clinical testing. Allele origin: germline. Affected: yes. Observed: 2 variant alleles.
Comment: HRNR: BP4, BP7